The following is an entry in ClinVar:

ClinVar aggregate classification (germline): Uncertain significance. Review status: criteria provided, multiple submitters, no conflicts (2 of 4 stars). 2 submissions from 2 submitters: Uncertain significance (2). Last evaluated 2025-08-25.

Conditions:
Inborn genetic diseases. Identifiers: MedGen C0950123, MeSH D030342.

Submissions (2):

Ambry Genetics
Classification: Uncertain significance for Inborn genetic diseases. Last evaluated: 2025-08-25. Review status: criteria provided, single submitter. Criteria: Ambry Variant Classification Scheme 2023. Collection method: clinical testing. Allele origin: germline.

GeneDx
Classification: Uncertain significance. Last evaluated: 2024-08-08. Review status: criteria provided, single submitter. Criteria: GeneDx Variant Classification Process June 2021. Collection method: clinical testing. Allele origin: germline. Affected: yes.
Comment: Not observed at significant frequency in large population cohorts (gnomAD); In silico analysis supports that this missense variant has a deleterious effect on protein structure/function; Has not been previously published as pathogenic or benign to our knowledge

NM_001367561.1(DOCK7):c.1963T>A (p.Cys655Ser)

Gene: DOCK7 (dedicator of cytokinesis 7; minus strand). Cytogenetic location: 1p31.3.
Variant type: single nucleotide variant.
Coding change: c.1963T>A on transcript NM_001367561.1 (MANE Select); coding-DNA position 1963, T replaced by A.
Protein change: p.Cys655Ser; replaces cysteine 655 with serine.
Molecular consequence: missense variant.
Genome position (GRCh38, 1-based): chr1:62,578,875, A>T on the plus strand (T>A on the coding strand, the complement: DOCK7 is on the minus strand). VCF-style: chr1-62578875-A-T. GRCh37 (hg19) VCF-style: chr1-63044546-A-T.
Other names: c.1963T>A (NM_033407.2); c.1963T>A, p.Cys655Ser (NM_001271999.2, NM_001272000.2, NM_001272001.2 and 2 more transcripts); short protein forms C655S.
Identifiers: ClinVar variation 3603065 (VCV003603065.2).
Genomic context (GRCh38, chr1:62,578,875, plus strand): 5'-CAAAAGGACTCACTGTATATCCAACTGGTGTTTCAAGAGGAGTATTTTGTTTTTGTTGAC[A>T]ACTAACATGATAAAAAGTAAAAAGCAAGTGATGATGGTCAGTTAAAGTAGCAGGAAGCTT-3'
Protein context (NP_001354490.1, residues 645-665): HLLFTFYHVS[Cys655Ser]QQKQNTPLET